The following is an entry in ClinVar:

ClinVar aggregate classification (germline): Uncertain significance (1 of 4 stars; one submission).

gnomAD v4.1: 4 of 1,614,218 alleles (0.00025%); highest among the groups gnomAD compares: Admixed American, 0.0067%; no homozygotes.

Submission:

GeneDx
Classification: Uncertain significance. Last evaluated: 2024-09-30. Review status: criteria provided, single submitter. Criteria: GeneDx Variant Classification Process June 2021. Collection method: clinical testing. Allele origin: germline. Affected: yes.
Comment: In silico analysis indicates that this missense variant does not alter protein structure/function; Has not been previously published as pathogenic or benign to our knowledge

NM_015378.4(VPS13D):c.6787A>C (p.Met2263Leu)

Gene: VPS13D (vacuolar protein sorting 13 homolog D; plus strand). Cytogenetic location: 1p36.22.
Variant type: single nucleotide variant.
Coding change: c.6787A>C on transcript NM_015378.4 (MANE Select); coding-DNA position 6787, A replaced by C.
Protein change: p.Met2263Leu; replaces methionine 2263 with leucine.
Molecular consequence: missense variant.
Genome position (GRCh38, 1-based): chr1:12,311,590, A>C. VCF-style: chr1-12311590-A-C. GRCh37 (hg19) VCF-style: chr1-12371647-A-C.
Other names: c.6787A>C, p.Met2263Leu (NM_018156.4); short protein forms M2263L.
Identifiers: ClinVar variation 3774602 (VCV003774602.1).